The following is an entry in ClinVar:

ClinVar aggregate classification (germline): Conflicting classifications of pathogenicity. Review status: criteria provided, conflicting classifications (1 of 4 stars). 2 submissions from 2 submitters: Uncertain significance (1); Likely benign (1). Last evaluated 2025-04-23.

Conditions:
Familial hypobetalipoproteinemia 1. Also called: APOB-Related Familial Hypobetalipoproteinemia; Hypobetalipoproteinemia, normotriglyceridemic; Acanthocytosis with hypobetalipoproteinemia. Identifiers: MedGen C4551990, MONDO:0014252, OMIM 615558.
Hypercholesterolemia, autosomal dominant, type B (FHCL2). Also called: Hyperlipoproteinemia Type IIb; Familial hypercholesterolemia 2; Familial Hypercholesterolemia Type B; APOLIPOPROTEIN B-100, FAMILIAL DEFECTIVE; APOLIPOPROTEIN B-100, FAMILIAL LIGAND-DEFECTIVE; HYPERCHOLESTEROLEMIA, FAMILIAL, DUE TO LIGAND-DEFECTIVE APOLIPOPROTEIN B. Identifiers: MedGen C1704417, MONDO:0007751, OMIM 144010.
Cardiovascular phenotype. Identifiers: MedGen CN230736.

Allele frequency attached by ClinVar (database versions not stated): gnomAD exomes below 0.00001; TOPMed below 0.00001; ExAC 0.00002.

Submissions (2):

Ambry Genetics
Classification: Uncertain significance for Cardiovascular phenotype. Last evaluated: 2025-04-23. Review status: criteria provided, single submitter. Criteria: Ambry Variant Classification Scheme 2023. Collection method: clinical testing. Allele origin: germline.
Comment: The p.M1881T variant (also known as c.5642T>C), located in coding exon 26 of the APOB gene, results from a T to C substitution at nucleotide position 5642. The methionine at codon 1881 is replaced by threonine, an amino acid with similar properties. This amino acid position is conserved. In addition, this alteration is predicted to be tolerated by in silico analysis. Since supporting evidence is limited at this time, the clinical significance of this alteration remains unclear.

Labcorp Genetics (formerly Invitae), Labcorp
Classification: Likely benign for Familial hypobetalipoproteinemia 1; Hypercholesterolemia, autosomal dominant, type B. Last evaluated: 2023-02-02. Review status: criteria provided, single submitter. Criteria: Invitae Variant Classification Sherloc (09022015). Collection method: clinical testing. Allele origin: germline.

NM_000384.3(APOB):c.5642T>C (p.Met1881Thr)

Gene: APOB (apolipoprotein B; minus strand). Cytogenetic location: 2p24.1.
Variant type: single nucleotide variant.
Coding change: c.5642T>C on transcript NM_000384.3 (MANE Select); coding-DNA position 5642, T replaced by C.
Protein change: p.Met1881Thr; replaces methionine 1881 with threonine.
Molecular consequence: missense variant.
Genome position (GRCh38, 1-based): chr2:21,011,226, A>G on the plus strand (T>C on the coding strand, the complement: APOB is on the minus strand). VCF-style: chr2-21011226-A-G. GRCh37 (hg19) VCF-style: chr2-21234098-A-G.
Other names: short protein forms M1881T.
Identifiers: ClinVar variation 1748806 (VCV001748806.6), dbSNP rs752621657, ClinGen allele CA062296.